The following is an entry in ClinVar:

ClinVar aggregate classification (germline): Uncertain significance (1 of 4 stars; one submission).

Submission:

Greenwood Genetic Center Diagnostic Laboratories, Greenwood Genetic Center
Classification: Uncertain significance. Last evaluated: 2025-01-08. Review status: criteria provided, single submitter. Criteria: ACMG Guidelines, 2015. Collection method: clinical testing. Allele origin: germline.
Comment: PM2, BP4

NM_001347721.2(DYRK1A):c.1644+17T>C

Gene: DYRK1A (dual specificity tyrosine phosphorylation regulated kinase 1A; plus strand). Cytogenetic location: 21q22.13.
Variant type: single nucleotide variant.
Coding change: c.1644+17T>C on transcript NM_001347721.2 (MANE Select); 17 bases into the intron after coding-DNA position 1644, T replaced by C.
Molecular consequence: intron variant. On other transcripts: missense variant (1).
Genome position (GRCh38, 1-based): chr21:37,506,240, T>C. VCF-style: chr21-37506240-T-C. GRCh37 (hg19) VCF-style: chr21-38878543-T-C.
Other names: c.1688T>C, p.Val563Ala (NM_101395.2); c.1671+17T>C (NM_001396.5); c.1644+17T>C (NM_001347722.2, NM_130436.2); c.1557+17T>C (NM_001347723.2); c.1546+651T>C (NM_130438.2); short protein forms V563A.
Identifiers: ClinVar variation 4851692 (VCV004851692.1).